The following is an entry in ClinVar:

ClinVar aggregate classification (germline): Pathogenic (1 of 4 stars; one submission).

Conditions:
Fanconi anemia (FA). Also called: Fanconi's anemia. Identifiers: Orphanet 84, MedGen C0015625, MeSH D005199, MONDO:0019391.

Submission:

Labcorp Genetics (formerly Invitae), Labcorp
Classification: Pathogenic for Fanconi anemia. Last evaluated: 2023-09-11. Review status: criteria provided, single submitter. Criteria: Invitae Variant Classification Sherloc (09022015). Collection method: clinical testing. Allele origin: germline.
Comment: For these reasons, this variant has been classified as Pathogenic. This variant has not been reported in the literature in individuals affected with FANCD2-related conditions. This variant is not present in population databases (gnomAD no frequency). This sequence change creates a premature translational stop signal (p.Trp1167Cysfs*31) in the FANCD2 gene. It is expected to result in an absent or disrupted protein product. Loss-of-function variants in FANCD2 are known to be pathogenic (PMID: 17436244).

Literature cited by the submitters: PubMed 17436244.

NM_001018115.3(FANCD2):c.3501del (p.Trp1167fs)

Genes: FANCD2 (FA complementation group D2; plus strand), FANCD2OS (FANCD2 opposite strand; minus strand). Cytogenetic location: 3p25.3.
Variant type: Deletion.
Coding change: c.3501del on transcript NM_001018115.3 (MANE Select); coding-DNA position 3501, one base deleted (G; older notation c.3501delG).
Protein change: p.Trp1167fs; shifts the reading frame from tryptophan 1167.
Molecular consequence: frameshift variant. On other transcripts: intron variant (1).
Genome position (GRCh38, 1-based): chr3:10,088,483, G deleted; the last of 2 consecutive G bases (chr3:10,088,482-10,088,483); deleting either gives the same sequence. VCF-style (leftmost placement, unchanged base first): chr3-10088481-TG-T. GRCh37 (hg19) VCF-style: chr3-10130165-TG-T.
Other names: c.3501del, p.Trp1167fs (NM_001319984.2, NM_001374254.1, NM_033084.6); c.3390del, p.Trp1130fs (NM_001374253.1); c.*44-6951del (NM_173472.2); short protein forms W1167fs, W1130fs.
Identifiers: ClinVar variation 2889561 (VCV002889561.3), dbSNP rs1694373057, ClinGen allele CA1345045671.
Genomic context (GRCh38, chr3:10,088,481, plus strand): 5'-AAGATTCCTTTGTCTTCTTTTCTAACAGCTTCCCTTGCCAGACAATTCCTCTGTCGGGTG[TG>T]GCCAAGTGGGGATAAAGAGAAGAGCAACATCTCTAATGACCAGCTCCATGCTCTGCTCTG-3'